The following is an entry in ClinVar:

ClinVar aggregate classification (germline): Uncertain significance. Review status: criteria provided, multiple submitters, no conflicts (2 of 4 stars). 2 submissions from 2 submitters: Uncertain significance (2). Last evaluated 2025-07-03.

Conditions:
Hereditary cancer-predisposing syndrome. Also called: Tumor predisposition; Hereditary Cancer Syndrome; Neoplastic Syndromes, Hereditary; Hereditary neoplastic syndrome. Identifiers: Orphanet 140162, MedGen C0027672, MeSH D009386, MONDO:0015356.
Familial meningioma. Also called: Meningioma, familial, susceptibility to. Identifiers: Orphanet 263662, MedGen C3551915, MONDO:0011789, OMIM 607174.

Allele frequency attached by ClinVar (database versions not stated): gnomAD exomes 0.00001.
gnomAD v4.1: 8 of 1,612,426 alleles (0.0005%); highest among the groups gnomAD compares: Non-Finnish European, 0.00068%; no homozygotes.

Submissions (2):

Ambry Genetics
Classification: Uncertain significance for Hereditary cancer-predisposing syndrome. Last evaluated: 2025-07-03. Review status: criteria provided, single submitter. Criteria: Ambry Variant Classification Scheme 2023. Collection method: clinical testing. Allele origin: germline.
Comment: The p.S32N variant (also known as c.95G>A), located in coding exon 3 of the SMARCE1 gene, results from a G to A substitution at nucleotide position 95. The serine at codon 32 is replaced by asparagine, an amino acid with highly similar properties. This amino acid position is highly conserved in available vertebrate species. In addition, this alteration is predicted to be tolerated by in silico analysis. Based on the available evidence, the clinical significance of this variant remains unclear.

Labcorp Genetics (formerly Invitae), Labcorp
Classification: Uncertain significance for Familial meningioma. Last evaluated: 2023-06-09. Review status: criteria provided, single submitter. Criteria: Invitae Variant Classification Sherloc (09022015). Collection method: clinical testing. Allele origin: germline.
Comment: In summary, the available evidence is currently insufficient to determine the role of this variant in disease. Therefore, it has been classified as a Variant of Uncertain Significance. Advanced modeling of protein sequence and biophysical properties (such as structural, functional, and spatial information, amino acid conservation, physicochemical variation, residue mobility, and thermodynamic stability) performed at Invitae indicates that this missense variant is not expected to disrupt SMARCE1 protein function. This sequence change replaces serine, which is neutral and polar, with asparagine, which is neutral and polar, at codon 32 of the SMARCE1 protein (p.Ser32Asn). This variant is not present in population databases (gnomAD no frequency). This variant has not been reported in the literature in individuals affected with SMARCE1-related conditions. ClinVar contains an entry for this variant (Variation ID: 823363).

NM_003079.5(SMARCE1):c.95G>A (p.Ser32Asn)

Gene: SMARCE1 (SWI/SNF related BAF chromatin remodeling complex subunit E1; minus strand). Cytogenetic location: 17q21.2.
Variant type: single nucleotide variant.
Coding change: c.95G>A on transcript NM_003079.5 (MANE Select); coding-DNA position 95, G replaced by A.
Protein change: p.Ser32Asn; replaces serine 32 with asparagine.
Molecular consequence: missense variant.
Genome position (GRCh38, 1-based): chr17:40,642,516, C>T on the plus strand (G>A on the coding strand, the complement: SMARCE1 is on the minus strand). VCF-style: chr17-40642516-C-T. GRCh37 (hg19) VCF-style: chr17-38798768-C-T.
Other names: short protein forms S32N.
Identifiers: ClinVar variation 823363 (VCV000823363.14), dbSNP rs1597749777, ClinGen allele CA399369850.